The following is an entry in ClinVar:

ClinVar aggregate classification (germline): Uncertain significance. Review status: criteria provided, multiple submitters, no conflicts (2 of 4 stars). 3 submissions from 3 submitters: Uncertain significance (3). Last evaluated 2025-05-06.

Conditions:
Inborn genetic diseases. Identifiers: MedGen C0950123, MeSH D030342.
Fibrous dysplasia of jaw (CRBM). Also called: Cherubism. Identifiers: Orphanet 184, MedGen C0008029, MONDO:0007315, OMIM 118400.

Allele frequency attached by ClinVar (database versions not stated): gnomAD exomes 0.00002 and 0.00007; TOPMed 0.00002; gnomAD 0.00003 and 0.00005; ExAC 0.00007; 1000 Genomes Project 0.00020; 1000 Genomes Project 30x 0.00047.
gnomAD v4.1: 42 of 1,613,482 alleles (0.0026%); highest among the groups gnomAD compares: South Asian, 0.024%; no homozygotes.

Submissions (3):

Labcorp Genetics (formerly Invitae), Labcorp
Classification: Uncertain significance for Fibrous dysplasia of jaw. Last evaluated: 2025-05-06. Review status: criteria provided, single submitter. Criteria: Invitae Variant Classification Sherloc (09022015). Collection method: clinical testing. Allele origin: germline.
Comment: This sequence change replaces proline, which is neutral and non-polar, with leucine, which is neutral and non-polar, at codon 305 of the SH3BP2 protein (p.Pro305Leu). This variant is present in population databases (rs555463039, gnomAD 0.04%), and has an allele count higher than expected for a pathogenic variant. This variant has not been reported in the literature in individuals affected with SH3BP2-related conditions. ClinVar contains an entry for this variant (Variation ID: 1005548). Invitae Evidence Modeling of protein sequence and biophysical properties (such as structural, functional, and spatial information, amino acid conservation, physicochemical variation, residue mobility, and thermodynamic stability) indicates that this missense variant is not expected to disrupt SH3BP2 protein function with a negative predictive value of 80%. In summary, the available evidence is currently insufficient to determine the role of this variant in disease. Therefore, it has been classified as a Variant of Uncertain Significance.

Ambry Genetics
Classification: Uncertain significance for Inborn genetic diseases. Last evaluated: 2024-01-24. Review status: criteria provided, single submitter. Criteria: Ambry Variant Classification Scheme 2023. Collection method: clinical testing. Allele origin: germline.

Department of Pathology and Laboratory Medicine, Sinai Health System
Classification: Uncertain significance for Fibrous dysplasia of jaw. Last evaluated: 2021-08-10. Review status: criteria provided, single submitter. Criteria: ACMG Guidelines, 2015. Collection method: research. Allele origin: germline.

NM_001122681.2(SH3BP2):c.914C>T (p.Pro305Leu)

Gene: SH3BP2 (SH3 domain binding protein 2; plus strand). Cytogenetic location: 4p16.3.
Variant type: single nucleotide variant.
Coding change: c.914C>T on transcript NM_001122681.2 (MANE Select); coding-DNA position 914, C replaced by T.
Protein change: p.Pro305Leu; replaces proline 305 with leucine.
Molecular consequence: missense variant.
Genome position (GRCh38, 1-based): chr4:2,829,820, C>T. VCF-style: chr4-2829820-C-T. GRCh37 (hg19) VCF-style: chr4-2831547-C-T.
Other names: c.998C>T, p.Pro333Leu (NM_001145855.2); c.1085C>T, p.Pro362Leu (NM_001145856.2); c.914C>T, p.Pro305Leu (NM_003023.4); short protein forms P305L, P333L, P362L.
Identifiers: ClinVar variation 1005548 (VCV001005548.11), dbSNP rs555463039, ClinGen allele CA2819356.
Genomic context (GRCh38, chr4:2,829,820, plus strand): 5'-TGCCCACCGCACCCGGCCTCCGGAAACCCCCTTGCTTCCGGGAGAGTGCCAGCCCCAGCC[C>T]GGAGCCCTGGACCCCTGGCCACGGGGCCTGCTCCACTTCCAGTGCTGCCATCATGGCCAC-3'
Protein context (NP_001116153.1, residues 295-315): PCFRESASPS[Pro305Leu]EPWTPGHGAC